The following is an entry in ClinVar:

ClinVar aggregate classification (germline): Uncertain significance. Review status: criteria provided, multiple submitters, no conflicts (2 of 4 stars). 2 submissions from 2 submitters: Uncertain significance (2). Last evaluated 2025-10-02.

Conditions:
Atypical hemolytic-uremic syndrome. Identifiers: Orphanet 2134, MedGen C2931788, MONDO:0016244.
Basal laminar drusen. Also called: DRUSEN OF BRUCH MEMBRANE; DRUSEN, CUTICULAR; DRUSEN, EARLY ADULT-ONSET, GROUPED. Identifiers: Orphanet 75376, MedGen C0730295, MONDO:0007472, OMIM 126700.
Factor H deficiency (CFHD). Also called: COMPLEMENT FACTOR H DEFICIENCY; CFH DEFICIENCY. Identifiers: Orphanet 200421, MedGen C0398777, MONDO:0012350, OMIM 609814.
Age related macular degeneration 4. Identifiers: MedGen C1853147, MONDO:0012540, OMIM 610698.

gnomAD v4.1: 1 of 1,612,924 alleles (0.000062%); highest among the groups gnomAD compares: African/African-American, 0.0013%; no homozygotes.

Submissions (2):

Genomenon, Inc
Classification: Uncertain significance for Basal laminar drusen; Age related macular degeneration 4; Atypical hemolytic-uremic syndrome; Factor H deficiency. Last evaluated: 2025-10-02. Review status: criteria provided, single submitter. Criteria: Genomenon Sequence Variant Interpretation Standards - Updated. Collection method: curation. Allele origin: germline. Affected: no.
Comment: CFH p.Glu541Lys (c.1621G>A) is a missense variant that changes the amino acid at residue 541 from Glutamic acid to Lysine. This variant has been reported in the published literature (PMID:36211394). It is absent or not present at a significant frequency in gnomAD. In silico models agree that this variant is not damaging. In conclusion, we classify CFH p.Glu541Lys (c.1621G>A) as a variant of uncertain significance.

Mayo Clinic Laboratories, Mayo Clinic
Classification: Uncertain significance. Last evaluated: 2025-09-11. Review status: criteria provided, single submitter. Criteria: ACMG Guidelines, 2015. Collection method: clinical testing. Allele origin: germline. Observed: 1 variant allele.
Comment: BP4, PM2_supporting

Literature cited by the submitters: PubMed 36211394 (cited by Genomenon, Inc and Mayo Clinic Laboratories, Mayo Clinic).

NM_000186.4(CFH):c.1621G>A (p.Glu541Lys)

Gene: CFH (complement factor H; plus strand). Cytogenetic location: 1q31.3.
Variant type: single nucleotide variant.
Coding change: c.1621G>A on transcript NM_000186.4 (MANE Select); coding-DNA position 1621, G replaced by A.
Protein change: p.Glu541Lys; replaces glutamic acid 541 with lysine.
Molecular consequence: missense variant.
Genome position (GRCh38, 1-based): chr1:196,715,694, G>A. VCF-style: chr1-196715694-G-A. GRCh37 (hg19) VCF-style: chr1-196684824-G-A.
Other names: p.Glu541Lys; short protein forms E541K.
Identifiers: ClinVar variation 4291403 (VCV004291403.2).